The following is an entry in ClinVar:

ClinVar aggregate classification (germline): Uncertain significance (1 of 4 stars; one submission).

Conditions:
Alstrom syndrome (ALMS). Identifiers: Orphanet 64, MedGen C0268425, MONDO:0008763, OMIM 203800.

Allele frequency attached by ClinVar (database versions not stated): gnomAD exomes below 0.00001.
gnomAD v4.1: 1 of 1,614,134 alleles (0.000062%); highest among the groups gnomAD compares: Admixed American, 0.0017%; no homozygotes.

Submission:

Labcorp Genetics (formerly Invitae), Labcorp
Classification: Uncertain significance for Alstrom syndrome. Last evaluated: 2022-07-04. Review status: criteria provided, single submitter. Criteria: Invitae Variant Classification Sherloc (09022015). Collection method: clinical testing. Allele origin: germline.
Comment: This sequence change replaces serine, which is neutral and polar, with glycine, which is neutral and non-polar, at codon 2460 of the ALMS1 protein (p.Ser2460Gly). This variant is not present in population databases (gnomAD no frequency). This variant has not been reported in the literature in individuals affected with ALMS1-related conditions. Experimental studies and prediction algorithms are not available or were not evaluated, and the functional significance of this variant is currently unknown. In summary, the available evidence is currently insufficient to determine the role of this variant in disease. Therefore, it has been classified as a Variant of Uncertain Significance.

NM_001378454.1(ALMS1):c.7375A>G (p.Ser2459Gly)

Gene: ALMS1 (ALMS1 centrosome and basal body associated protein; plus strand). Cytogenetic location: 2p13.1.
Variant type: single nucleotide variant.
Coding change: c.7375A>G on transcript NM_001378454.1 (MANE Select); coding-DNA position 7375, A replaced by G.
Protein change: p.Ser2459Gly; replaces serine 2459 with glycine.
Molecular consequence: missense variant.
Genome position (GRCh38, 1-based): chr2:73,453,902, A>G. VCF-style: chr2-73453902-A-G. GRCh37 (hg19) VCF-style: chr2-73681029-A-G.
Other names: c.7378A>G, p.Ser2460Gly (NM_015120.4); short protein forms S2459G, S2460G.
Identifiers: ClinVar variation 1963418 (VCV001963418.2), dbSNP rs1672004608, ClinGen allele CA347292335.